The following is an entry in ClinVar:

NM_000545.8(HNF1A):c.1590G>A (p.Leu530=)

Gene: HNF1A (HNF1 homeobox A; plus strand). Cytogenetic location: 12q24.31.
Variant type: single nucleotide variant.
Coding change: c.1590G>A on transcript NM_000545.8 (MANE Select); coding-DNA position 1590, G replaced by A.
Protein change: p.Leu530=; no amino-acid change (leucine 530 retained).
Molecular consequence: synonymous variant.
Genome position (GRCh38, 1-based): chr12:120,999,356, G>A. VCF-style: chr12-120999356-G-A. GRCh37 (hg19) VCF-style: chr12-121437159-G-A.
Other names: c.1590G>A, p.Leu530= (NM_001306179.2); c.1398G>A, p.Leu466= (NM_001406915.1).
Identifiers: ClinVar variation 4992549 (VCV004992549.1).
Genomic context (GRCh38, chr12:120,999,356, plus strand): 5'-CCAGTACACCCACACGGGCCTGCTCCCGCAGACTATGCTCATCACCGACACCACCAACCT[G>A]AGCGCCCTGGCCAGCCTCACGCCCACCAAGCAGGTAAGGTCCAGGCCTGCTGGCCCTCCC-3'
Protein context (NP_000536.6, residues 520-540): QTMLITDTTN[Leu530=]SALASLTPTK

ClinVar aggregate classification (germline): Likely benign (1 of 4 stars; one submission).

Conditions:
HNF1A-related disorder. Also called: HNF1A-related condition.

Submission:

PreventionGenetics, part of Exact Sciences
Classification: Likely benign for HNF1A-related condition. Last evaluated: 2026-01-13. Review status: criteria provided, single submitter. Criteria: ACMG Guidelines, 2015. Collection method: clinical testing. Allele origin: germline.
Comment: This variant is classified as likely benign based on ACMG/AMP sequence variant interpretation guidelines (Richards et al. 2015 PMID: 25741868, with internal and published modifications).